The following is an entry in ClinVar:

ClinVar aggregate classification (germline): Uncertain significance (1 of 4 stars; one submission).

Submission:

Labcorp Genetics (formerly Invitae), Labcorp
Classification: Uncertain significance. Last evaluated: 2022-07-21. Review status: criteria provided, single submitter. Criteria: Invitae Variant Classification Sherloc (09022015). Collection method: clinical testing. Allele origin: germline.
Comment: This variant is not present in population databases (gnomAD no frequency). In summary, the available evidence is currently insufficient to determine the role of this variant in disease. Therefore, it has been classified as a Variant of Uncertain Significance. Algorithms developed to predict the effect of missense changes on protein structure and function (SIFT, PolyPhen-2, Align-GVGD) all suggest that this variant is likely to be disruptive. This variant has not been reported in the literature in individuals affected with DBR1-related conditions. This sequence change replaces tyrosine, which is neutral and polar, with histidine, which is basic and polar, at codon 106 of the DBR1 protein (p.Tyr106His).

NM_016216.4(DBR1):c.316T>C (p.Tyr106His)

Gene: DBR1 (debranching RNA lariats 1; minus strand). Cytogenetic location: 3q22.3.
Variant type: single nucleotide variant.
Coding change: c.316T>C on transcript NM_016216.4 (MANE Select); coding-DNA position 316, T replaced by C.
Protein change: p.Tyr106His; replaces tyrosine 106 with histidine.
Molecular consequence: missense variant.
Genome position (GRCh38, 1-based): chr3:138,173,508, A>G on the plus strand (T>C on the coding strand, the complement: DBR1 is on the minus strand). VCF-style: chr3-138173508-A-G. GRCh37 (hg19) VCF-style: chr3-137892350-A-G.
Other names: short protein forms Y106H.
Identifiers: ClinVar variation 2018677 (VCV002018677.4), dbSNP rs2472973449, ClinGen allele CA354678399.